The following is an entry in ClinVar:

ClinVar aggregate classification (germline): Uncertain significance (1 of 4 stars; one submission).

Conditions:
Hereditary cancer-predisposing syndrome. Also called: Tumor predisposition; Hereditary Cancer Syndrome; Hereditary neoplastic syndrome; Neoplastic Syndromes, Hereditary. Identifiers: Orphanet 140162, MedGen C0027672, MeSH D009386, MONDO:0015356.

Submission:

Ambry Genetics
Classification: Uncertain significance for Hereditary cancer-predisposing syndrome. Last evaluated: 2023-08-01. Review status: criteria provided, single submitter. Criteria: Ambry Variant Classification Scheme 2023. Collection method: clinical testing. Allele origin: germline.
Comment: The c.578_585delTAAAACTCinsAA variant (also known as p.V193_L195delinsE), located in coding exon 5 of the BRIP1 gene, results from an in-frame deletion of TAAAACTC and insertion of AA at nucleotide positions 578 to 585. This results in the substitution of the valine, lysine, and leucine residues for a glutamic acid residue at codon 193, an amino acid with highly similar properties. This amino acid region is not well conserved in available vertebrate species. In addition, the in silico prediction for this alteration is inconclusive (Choi Y et al. PLoS ONE. 2012; 7(10):e46688). Since supporting evidence is limited at this time, the clinical significance of this alteration remains unclear.

NM_032043.3(BRIP1):c.578_585delinsAA (p.Val193_Leu195delinsGlu)

Gene: BRIP1 (BRCA1 interacting DNA helicase 1; minus strand). Cytogenetic location: 17q23.2.
Variant type: Indel.
Coding change: c.578_585delinsAA on transcript NM_032043.3 (MANE Select); coding-DNA positions 578 to 585, TAAAACTC replaced by AA.
Protein change: p.Val193_Leu195delinsGlu.
Molecular consequence: inframe indel.
Genome position (GRCh38, 1-based): chr17:61,847,143-61,847,150, GAGTTTTA replaced by TT on the plus strand (TAAAACTC replaced by AA on the coding strand, the reverse complement: BRIP1 is on the minus strand). VCF-style: chr17-61847143-GAGTTTTA-TT. GRCh37 (hg19) VCF-style: chr17-59924504-GAGTTTTA-TT.
Identifiers: ClinVar variation 2626388 (VCV002626388.2), dbSNP rs2545405914, ClinGen allele CA2582342226.